The following is an entry in ClinVar:

ClinVar aggregate classification (germline): Conflicting classifications of pathogenicity. Review status: criteria provided, conflicting classifications (1 of 4 stars). 5 submissions from 4 submitters: Uncertain significance (4); Likely benign (1). Last evaluated 2024-11-19.

Conditions:
Familial cutaneous telangiectasia and oropharyngeal predisposition cancer syndrome. Identifiers: Orphanet 313846, MedGen C3281203, MONDO:0013806, OMIM 614564.
Seckel syndrome 1 (SCKL1). Also called: MICROCEPHALIC PRIMORDIAL DWARFISM I. Identifiers: Orphanet 808, MedGen C4551474, MONDO:0008869, OMIM 210600.

Allele frequency attached by ClinVar (database versions not stated): gnomAD 0.00001 and 0.00003; gnomAD exomes 0.00001 and 0.00002; TOPMed below 0.00001.
gnomAD v4.1: 31 of 1,596,008 alleles (0.0019%); highest among the groups gnomAD compares: Middle Eastern, 0.066%; no homozygotes.

Submissions (5):

Labcorp Genetics (formerly Invitae), Labcorp
Classification: Uncertain significance. Last evaluated: 2024-11-19. Review status: criteria provided, single submitter. Criteria: Invitae Variant Classification Sherloc (09022015). Collection method: clinical testing. Allele origin: germline.
Comment: This sequence change falls in intron 5 of the ATR gene. It does not directly change the encoded amino acid sequence of the ATR protein. It affects a nucleotide within the consensus splice site. This variant is present in population databases (rs587783323, gnomAD 0.01%). This variant has not been reported in the literature in individuals affected with ATR-related conditions. ClinVar contains an entry for this variant (Variation ID: 157964). Variants that disrupt the consensus splice site are a relatively common cause of aberrant splicing (PMID: 17576681, 9536098). Algorithms developed to predict the effect of sequence changes on RNA splicing suggest that this variant is not likely to affect RNA splicing. In summary, the available evidence is currently insufficient to determine the role of this variant in disease. Therefore, it has been classified as a Variant of Uncertain Significance.

Blueprint Genetics
Classification: Likely benign. Last evaluated: 2024-09-11. Review status: criteria provided, single submitter. Criteria: ACMG Guidelines, 2015. Collection method: clinical testing. Allele origin: germline.

Genome-Nilou Lab
Classification: Uncertain significance for Seckel syndrome 1. Last evaluated: 2023-02-08. Review status: criteria provided, single submitter. Criteria: ACMG Guidelines, 2015. Collection method: clinical testing. Allele origin: germline.

Genome-Nilou Lab
Classification: Uncertain significance for Familial cutaneous telangiectasia and oropharyngeal predisposition cancer syndrome. Last evaluated: 2023-02-08. Review status: criteria provided, single submitter. Criteria: ACMG Guidelines, 2015. Collection method: clinical testing. Allele origin: germline.

Genetic Services Laboratory, University of Chicago
Classification: Uncertain significance for Seckel syndrome 1. Last evaluated: 2013-03-28. Review status: criteria provided, single submitter. Criteria: ACMG Guidelines, 2007. Collection method: clinical testing. Allele origin: germline. Inheritance: Autosomal recessive inheritance.

Literature cited by the submitters: PubMed 17576681 (cited by Labcorp Genetics (formerly Invitae), Labcorp); PubMed 9536098 (cited by Labcorp Genetics (formerly Invitae), Labcorp).

NM_001184.4(ATR):c.1350-3T>C

Gene: ATR (ATR checkpoint kinase; minus strand). Cytogenetic location: 3q23.
Variant type: single nucleotide variant.
Coding change: c.1350-3T>C on transcript NM_001184.4 (MANE Select); 3 bases into the intron before coding-DNA position 1350, T replaced by C.
Molecular consequence: intron variant.
Genome position (GRCh38, 1-based): chr3:142,560,457, A>G on the plus strand (T>C on the coding strand, the complement: ATR is on the minus strand). VCF-style: chr3-142560457-A-G. GRCh37 (hg19) VCF-style: chr3-142279299-A-G.
Other names: c.1349+786T>C (NM_001354579.2).
Identifiers: ClinVar variation 157964 (VCV000157964.16), dbSNP rs587783323, ClinGen allele CA345967.
Genomic context (GRCh38, chr3:142,560,457, plus strand): 5'-TTTCTGTTTCAGTGCACTCCATAATATGCTCTTTTGGTTCATGTCCACATGTTTAATTCT[A>G]TAATTATGAATATAGTAGAGAGATATTCATATGCAATATAAATTTGGTTAAAACATGAAA-3'